The following is an entry in ClinVar:

ClinVar aggregate classification (germline): Uncertain significance. Review status: criteria provided, multiple submitters, no conflicts (2 of 4 stars). 2 submissions from 2 submitters: Uncertain significance (2). Last evaluated 2022-06-07.

Conditions:
Dilated cardiomyopathy 1G (CMD1G). Identifiers: Orphanet 154, MedGen C1858763, MONDO:0011400, OMIM 604145.
Autosomal recessive limb-girdle muscular dystrophy type 2J (LGMDR10). Also called: Limb-girdle muscular dystrophy, type 2J; MUSCULAR DYSTROPHY, LIMB-GIRDLE, AUTOSOMAL RECESSIVE 10. Identifiers: Orphanet 140922, MedGen C1837342, MONDO:0012127, OMIM 608807.

Allele frequency attached by ClinVar (database versions not stated): gnomAD exomes below 0.00001 and 0.00001; ExAC 0.00001; gnomAD 0.00001; TOPMed 0.00001.
gnomAD v4.1: 9 of 1,613,404 alleles (0.00056%); highest among the groups gnomAD compares: African/African-American, 0.0053%; no homozygotes.

Submissions (2):

GeneDx
Classification: Uncertain significance. Last evaluated: 2022-06-07. Review status: criteria provided, single submitter. Criteria: GeneDx Variant Classification Process June 2021. Collection method: clinical testing. Allele origin: germline. Affected: yes.
Comment: Not observed at significant frequency in large population cohorts (gnomAD); Missense variant in a gene in which most reported pathogenic variants are truncating/loss of function; Has not been previously published as pathogenic or benign to our knowledge; This variant is associated with the following publications: (PMID: 23975875)

Labcorp Genetics (formerly Invitae), Labcorp
Classification: Uncertain significance for Dilated cardiomyopathy 1G; Autosomal recessive limb-girdle muscular dystrophy type 2J. Last evaluated: 2016-12-08. Review status: criteria provided, single submitter. Criteria: Invitae Variant Classification Sherloc (09022015). Collection method: clinical testing. Allele origin: germline.

NM_001267550.2(TTN):c.62057A>G (p.Tyr20686Cys)

Genes: TTN-AS1 (TTN antisense RNA 1; plus strand), TTN (titin; minus strand). Cytogenetic location: 2q31.2.
Variant type: single nucleotide variant.
Coding change: c.62057A>G on transcript NM_001267550.2 (MANE Select); coding-DNA position 62057, A replaced by G.
Protein change: p.Tyr20686Cys; replaces tyrosine 20686 with cysteine.
Molecular consequence: missense variant.
Genome position (GRCh38, 1-based): chr2:178,589,668, T>C on the plus strand (A>G on the coding strand, the complement: TTN is on the minus strand). VCF-style: chr2-178589668-T-C. GRCh37 (hg19) VCF-style: chr2-179454395-T-C.
Other names: c.57134A>G, p.Tyr19045Cys (NM_001256850.1); c.34862A>G, p.Tyr11621Cys (NM_003319.4); c.54353A>G, p.Tyr18118Cys (NM_133378.4); c.35237A>G, p.Tyr11746Cys (NM_133432.3); c.35438A>G, p.Tyr11813Cys (NM_133437.4); c.62057A>G (NM_001267550.1); short protein forms Y20686C, Y11746C, Y18118C, Y11621C, Y19045C, Y11813C.
Identifiers: ClinVar variation 404877 (VCV000404877.4), dbSNP rs755470129, ClinGen allele CA1992277.